The following is an entry in ClinVar:

ClinVar aggregate classification (germline): Uncertain significance (1 of 4 stars; one submission).

Allele frequency attached by ClinVar (database versions not stated): gnomAD exomes below 0.00001.
gnomAD v4.1: 2 of 1,614,208 alleles (0.00012%); highest among the groups gnomAD compares: Non-Finnish European, 0.00017%; no homozygotes.

Submission:

Labcorp Genetics (formerly Invitae), Labcorp
Classification: Uncertain significance. Last evaluated: 2022-04-28. Review status: criteria provided, single submitter. Criteria: Invitae Variant Classification Sherloc (09022015). Collection method: clinical testing. Allele origin: germline.
Comment: In summary, the available evidence is currently insufficient to determine the role of this variant in disease. Therefore, it has been classified as a Variant of Uncertain Significance. Algorithms developed to predict the effect of missense changes on protein structure and function are either unavailable or do not agree on the potential impact of this missense change (SIFT: "Deleterious"; PolyPhen-2: "Benign"; Align-GVGD: "Class C55"). This variant has not been reported in the literature in individuals affected with TNNI3K-related conditions. This variant is not present in population databases (gnomAD no frequency). This sequence change replaces serine, which is neutral and polar, with threonine, which is neutral and polar, at codon 689 of the TNNI3K protein (p.Ser689Thr).

NM_015978.3(TNNI3K):c.2065T>A (p.Ser689Thr)

Genes: FPGT-TNNI3K (FPGT-TNNI3K readthrough; plus strand), TNNI3K (TNNI3 interacting kinase; plus strand). Cytogenetic location: 1p31.1.
Variant type: single nucleotide variant.
Coding change: c.2065T>A on transcript NM_015978.3 (MANE Select); coding-DNA position 2065, T replaced by A.
Protein change: p.Ser689Thr; replaces serine 689 with threonine.
Molecular consequence: missense variant.
Genome position (GRCh38, 1-based): chr1:74,463,494, T>A. VCF-style: chr1-74463494-T-A. GRCh37 (hg19) VCF-style: chr1-74929178-T-A.
Other names: c.2368T>A, p.Ser790Thr (NM_001112808.3, NM_001199327.2); short protein forms S689T, S790T.
Identifiers: ClinVar variation 2115591 (VCV002115591.4), dbSNP rs2524831703, ClinGen allele CA340787514.